The following is an entry in ClinVar:

ClinVar aggregate classification (germline): Uncertain significance. Review status: criteria provided, multiple submitters, no conflicts (2 of 4 stars). 2 submissions from 2 submitters: Uncertain significance (2). Last evaluated 2023-06-10.

Conditions:
Hereditary cancer-predisposing syndrome. Also called: Hereditary Cancer Syndrome; Neoplastic Syndromes, Hereditary; Tumor predisposition; Hereditary neoplastic syndrome. Identifiers: Orphanet 140162, MedGen C0027672, MeSH D009386, MONDO:0015356.
Ataxia-telangiectasia-like disorder (ATLD). Identifiers: MedGen C1858391, MONDO:0011457.

Allele frequency attached by ClinVar (database versions not stated): TOPMed below 0.00001.

Submissions (2):

Ambry Genetics
Classification: Uncertain significance for Hereditary cancer-predisposing syndrome. Last evaluated: 2023-06-10. Review status: criteria provided, single submitter. Criteria: Ambry Variant Classification Scheme 2023. Collection method: clinical testing. Allele origin: germline.
Comment: The p.G588R variant (also known as c.1762G>A), located in coding exon 14 of the MRE11A gene, results from a G to A substitution at nucleotide position 1762. The glycine at codon 588 is replaced by arginine, an amino acid with dissimilar properties. This amino acid position is well conserved in available vertebrate species. In addition, this alteration is predicted to be tolerated by in silico analysis. Since supporting evidence is limited at this time, the clinical significance of this alteration remains unclear.

Labcorp Genetics (formerly Invitae), Labcorp
Classification: Uncertain significance for Ataxia-telangiectasia-like disorder. Last evaluated: 2023-04-28. Review status: criteria provided, single submitter. Criteria: Invitae Variant Classification Sherloc (09022015). Collection method: clinical testing. Allele origin: germline.
Comment: This sequence change replaces glycine, which is neutral and non-polar, with arginine, which is basic and polar, at codon 588 of the MRE11 protein (p.Gly588Arg). In summary, the available evidence is currently insufficient to determine the role of this variant in disease. Therefore, it has been classified as a Variant of Uncertain Significance. Algorithms developed to predict the effect of missense changes on protein structure and function output the following: SIFT: "Not Available"; PolyPhen-2: "Benign"; Align-GVGD: "Not Available". The arginine amino acid residue is found in multiple mammalian species, which suggests that this missense change does not adversely affect protein function. ClinVar contains an entry for this variant (Variation ID: 479770). This variant has not been reported in the literature in individuals affected with MRE11-related conditions. This variant is not present in population databases (gnomAD no frequency).

NM_005591.4(MRE11):c.1762G>A (p.Gly588Arg)

Gene: MRE11 (MRE11 double strand break repair nuclease; minus strand). Cytogenetic location: 11q21.
Variant type: single nucleotide variant.
Coding change: c.1762G>A on transcript NM_005591.4 (MANE Select); coding-DNA position 1762, G replaced by A.
Protein change: p.Gly588Arg; replaces glycine 588 with arginine.
Molecular consequence: missense variant.
Genome position (GRCh38, 1-based): chr11:94,447,240, C>T on the plus strand (G>A on the coding strand, the complement: MRE11 is on the minus strand). VCF-style: chr11-94447240-C-T. GRCh37 (hg19) VCF-style: chr11-94180406-C-T.
Other names: c.1762G>A, p.Gly588Arg (NM_001330347.2, NM_005590.4); short protein forms G588R.
Identifiers: ClinVar variation 479770 (VCV000479770.15), dbSNP rs1555005282, ClinGen allele CA382368097.